The following is an entry in ClinVar:

ClinVar aggregate classification (germline): Uncertain significance (1 of 4 stars; one submission).

Conditions:
Familial thoracic aortic aneurysm and aortic dissection (TAAD). Also called: Thoracic aortic aneurysms and dissections. Identifiers: Orphanet 91387, MedGen C4707243, MONDO:0019625.

Submission:

Ambry Genetics
Classification: Uncertain significance for Familial thoracic aortic aneurysm and aortic dissection. Last evaluated: 2025-01-10. Review status: criteria provided, single submitter. Criteria: Ambry Variant Classification Scheme 2023. Collection method: clinical testing. Allele origin: germline.
Comment: The p.T1130N variant (also known as c.3389C>A), located in coding exon 24 of the MED12 gene, results from a C to A substitution at nucleotide position 3389. The threonine at codon 1130 is replaced by asparagine, an amino acid with similar properties. This amino acid position is conserved. In addition, this alteration is predicted to be tolerated by in silico analysis. Based on the available evidence, the clinical significance of this variant remains unclear.

NM_005120.3(MED12):c.3389C>A (p.Thr1130Asn)

Gene: MED12 (mediator complex subunit 12; plus strand). Cytogenetic location: Xq13.1.
Variant type: single nucleotide variant.
Coding change: c.3389C>A on transcript NM_005120.3 (MANE Select); coding-DNA position 3389, C replaced by A.
Protein change: p.Thr1130Asn; replaces threonine 1130 with asparagine.
Molecular consequence: missense variant.
Genome position (GRCh38, 1-based): chrX:71,128,632, C>A. VCF-style: chrX-71128632-C-A. GRCh37 (hg19) VCF-style: chrX-70348482-C-A.
Other names: short protein forms T1130N.
Identifiers: ClinVar variation 3871938 (VCV003871938.1).
Genomic context (GRCh38, chrX:71,128,632, plus strand): 5'-TGGTGTCTGTCTGTTTTTTCCTCCAGGTCAGTGACCTATCTTTTCATGACTCGCTGGCTA[C>A]TTTTGTTGCCATCCTCATCGCTCGGCAGTGTTTGCTCCTGGAAGATCTGATTCGCTGTGC-3'
Protein context (NP_005111.2, residues 1120-1140): SDLSFHDSLA[Thr1130Asn]FVAILIARQC